The following is an entry in ClinVar:

ClinVar aggregate classification (germline): Uncertain significance (1 of 4 stars; one submission).

Conditions:
Odonto-onycho-dermal dysplasia. Identifiers: Orphanet 2721, MedGen C0796093, MONDO:0009773, OMIM 257980.
Tooth agenesis, selective, 4 (STHAG4). Also called: TOOTH AGENESIS, SELECTIVE, 4, WITH OR WITHOUT ECTODERMAL DYSPLASIA; LATERAL INCISORS, ABSENCE OF; LATERAL INCISORS, PEGGED OR MISSING; SUCCEDANEOUS TEETH, AGENESIS OF. Identifiers: Orphanet 99798, MedGen C1835492, MONDO:0007881, OMIM 150400. Disease mechanism: loss of function.

Allele frequency attached by ClinVar (database versions not stated): ExAC 0.00003; gnomAD 0.00007; TOPMed 0.00007; gnomAD exomes 0.00019.
gnomAD v4.1: 271 of 1,584,738 alleles (0.017%); highest among the groups gnomAD compares: Non-Finnish European, 0.022%; no homozygotes.

Submission:

Labcorp Genetics (formerly Invitae), Labcorp
Classification: Uncertain significance for Tooth agenesis, selective, 4; Odonto-onycho-dermal dysplasia. Last evaluated: 2022-09-18. Review status: criteria provided, single submitter. Criteria: Invitae Variant Classification Sherloc (09022015). Collection method: clinical testing. Allele origin: germline.
Comment: This sequence change replaces arginine, which is basic and polar, with histidine, which is basic and polar, at codon 385 of the WNT10A protein (p.Arg385His). The frequency data for this variant in the population databases is considered unreliable, as metrics indicate poor data quality at this position in the gnomAD database. This variant has not been reported in the literature in individuals affected with WNT10A-related conditions. Advanced modeling of protein sequence and biophysical properties (such as structural, functional, and spatial information, amino acid conservation, physicochemical variation, residue mobility, and thermodynamic stability) performed at Invitae indicates that this missense variant is not expected to disrupt WNT10A protein function. In summary, the available evidence is currently insufficient to determine the role of this variant in disease. Therefore, it has been classified as a Variant of Uncertain Significance.

NM_025216.3(WNT10A):c.1154G>A (p.Arg385His)

Gene: WNT10A (Wnt family member 10A; plus strand). Cytogenetic location: 2q35.
Variant type: single nucleotide variant.
Coding change: c.1154G>A on transcript NM_025216.3 (MANE Select); coding-DNA position 1154, G replaced by A.
Protein change: p.Arg385His; replaces arginine 385 with histidine.
Molecular consequence: missense variant.
Genome position (GRCh38, 1-based): chr2:218,893,171, G>A. VCF-style: chr2-218893171-G-A. GRCh37 (hg19) VCF-style: chr2-219757893-G-A.
Other names: short protein forms R385H.
Identifiers: ClinVar variation 2042458 (VCV002042458.1), dbSNP rs766438750, ClinGen allele CA2114119.
Genomic context (GRCh38, chr2:218,893,171, plus strand): 5'-GCAGCGCCGGCTCGGATGGCTGCGGCAGCATGTGCTGCGGCCGCGGCCACAACATCCTGC[G>A]CCAGACGCGCAGCGAGCGCTGCCACTGCCGCTTCCACTGGTGCTGTTTCGTGGTCTGCGA-3'
Protein context (NP_079492.2, residues 375-395): MCCGRGHNIL[Arg385His]QTRSERCHCR